The following is an entry in ClinVar:

NM_022369.4(STRA6):c.961A>C (p.Thr321Pro)

Gene: STRA6 (signaling receptor and transporter of retinol STRA6; minus strand). Cytogenetic location: 15q24.1.
Variant type: single nucleotide variant.
Coding change: c.961A>C on transcript NM_022369.4 (MANE Select); coding-DNA position 961, A replaced by C.
Protein change: p.Thr321Pro; replaces threonine 321 with proline.
Molecular consequence: missense variant.
Genome position (GRCh38, 1-based): chr15:74,189,244, T>G on the plus strand (A>C on the coding strand, the complement: STRA6 is on the minus strand). VCF-style: chr15-74189244-T-G. GRCh37 (hg19) VCF-style: chr15-74481585-T-G.
Other names: c.961A>C, p.Thr321Pro (NM_001142617.2, NM_001142618.2); c.934A>C, p.Thr312Pro (NM_001142619.2); c.1072A>C, p.Thr358Pro (NM_001199040.2); c.1006A>C, p.Thr336Pro (NM_001199041.2); c.1078A>C, p.Thr360Pro (NM_001199042.2); c.961A>C (NM_022369.3); short protein forms T321P, T312P, T336P, T358P, T360P.
Identifiers: ClinVar variation 1138 (VCV000001138.16), dbSNP rs118203962, ClinGen allele CA114790.

ClinVar aggregate classification (germline): Uncertain significance. Review status: criteria provided, multiple submitters, no conflicts (2 of 4 stars). 5 submissions from 5 submitters: Uncertain significance (4). 1 of the submissions does not count toward it. Last evaluated 2025-07-01.

Conditions:
STRA6-related disorder. Also called: STRA6-related condition.
Microphthalmia, syndromic 9. Also called: Matthew-Wood syndrome; ANOPHTHALMIA, CLINICAL, WITH MILD FACIAL DYSMORPHISM AND VARIABLE MALFORMATIONS OF THE LUNG, HEART, AND DIAPHRAGM; ANOPHTHALMIA/MICROPHTHALMIA AND PULMONARY HYPOPLASIA; PULMONARY AGENESIS, MICROPHTHALMIA, AND DIAPHRAGMATIC DEFECT; SPEAR SYNDROME. Identifiers: Orphanet 2470, MedGen C1832661, MONDO:0011010, OMIM 601186.

Allele frequency attached by ClinVar (database versions not stated): 1000 Genomes Project 30x 0.00031; 1000 Genomes Project 0.00040; gnomAD 0.00041; TOPMed 0.00046; gnomAD exomes 0.00054 and 0.00077; ExAC 0.00072.
gnomAD v4.1: 1,172 of 1,607,106 alleles (0.073%); highest among the groups gnomAD compares: Non-Finnish European, 0.089%; 2 homozygotes.

Submissions (5):

CeGaT Center for Human Genetics Tuebingen
Classification: Uncertain significance. Last evaluated: 2025-07-01. Review status: criteria provided, single submitter. Criteria: CeGaT Center For Human Genetics Tuebingen Variant Classification Criteria Version 2. Collection method: clinical testing. Allele origin: germline. Affected: yes. Observed: 1 variant allele.
Comment: STRA6: PM2:Supporting, PM3:Supporting

Blueprint Genetics
Classification: Uncertain significance. Last evaluated: 2024-11-15. Review status: criteria provided, single submitter. Criteria: ACMG Guidelines, 2015. Collection method: clinical testing. Allele origin: germline.

Department of Pathology and Laboratory Medicine, Sinai Health System
Classification: Uncertain significance for Microphthalmia, syndromic 9. Last evaluated: 2023-04-23. Review status: criteria provided, single submitter. Criteria: ACMG Guidelines, 2015. Collection method: research. Allele origin: germline.

PreventionGenetics, part of Exact Sciences
Classification: Uncertain significance for STRA6-related condition. Last evaluated: 2022-11-14. Review status: criteria provided, single submitter. Criteria: ACMG Guidelines, 2015. Collection method: clinical testing. Allele origin: germline.
Comment: The STRA6 c.961A>C variant is predicted to result in the amino acid substitution p.Thr321Pro. Additional protein structure analyses were performed via computational analyses on both variants present in that patient and it was determined that the p.Thr321Pro and p.Pro90Leu variants would both impact protein structure of STRA6 (Pasutto et al. 2007. PubMed ID: 17273977). This variant is reported in 0.081% of alleles in individuals of European (Non-Finnish) descent in gnomAD. Although we suspect that this variant may be pathogenic, at this time, the clinical significance of this variant is uncertain due to the absence of conclusive functional and genetic evidence.

OMIM
Classification: Pathogenic for MICROPHTHALMIA, SYNDROMIC 9. Last evaluated: 2007-03-01. Review status: no assertion criteria provided. Collection method: literature only. Allele origin: germline. Not counted in ClinVar's aggregate classification.

Literature cited by the submitters: PubMed 17273977 (cited by OMIM).